The following is an entry in ClinVar:

ClinVar aggregate classification (germline): Uncertain significance. Review status: criteria provided, multiple submitters, no conflicts (2 of 4 stars). 3 submissions from 3 submitters: Uncertain significance (3). Last evaluated 2025-11-18.

Conditions:
Hereditary cancer-predisposing syndrome. Also called: Hereditary neoplastic syndrome; Tumor predisposition; Neoplastic Syndromes, Hereditary; Hereditary Cancer Syndrome. Identifiers: Orphanet 140162, MedGen C0027672, MeSH D009386, MONDO:0015356.
Drash syndrome (DDS). Also called: WILMS TUMOR AND PSEUDO- OR TRUE HERMAPHRODITISM; NEPHROPATHY, WILMS TUMOR, AND GENITAL ANOMALIES. Identifiers: Orphanet 220, MedGen C0950121, MONDO:0008682, OMIM 194080.
Frasier syndrome. Identifiers: Orphanet 347, MedGen C0950122, MeSH D052159, MONDO:0007635, OMIM 136680.
Wilms tumor 1 (WT1). Also called: Wilms tumor, somatic. Identifiers: Orphanet 654, MedGen CN033288, MONDO:0008679, OMIM 194070.
11p partial monosomy syndrome (WAGR). Also called: WAGR syndrome; WAGR Complex; CHROMOSOME 11p13 DELETION SYNDROME; WAGR Spectrum Disorder. Identifiers: Orphanet 893, MedGen C0206115, MONDO:0008681, OMIM 194072.
Inborn genetic diseases. Identifiers: MedGen C0950123, MeSH D030342.

Allele frequency attached by ClinVar (database versions not stated): gnomAD exomes below 0.00001; gnomAD 0.00001; TOPMed 0.00001.
gnomAD v4.1: 3 of 1,465,356 alleles (0.0002%); highest among the groups gnomAD compares: African/African-American, 0.0045%; no homozygotes.

Submissions (3):

Ambry Genetics
Classification: Uncertain significance for Inborn genetic diseases. Last evaluated: 2025-11-18. Review status: criteria provided, single submitter. Criteria: Ambry Variant Classification Scheme 2023. Collection method: clinical testing. Allele origin: germline.
Comment: The p.A99G variant (also known as c.296C>G), located in coding exon 1 of the WT1 gene, results from a C to G substitution at nucleotide position 296. The alanine at codon 99 is replaced by glycine, an amino acid with similar properties. This amino acid position is conserved. In addition, this alteration is predicted to be tolerated by in silico analysis. Based on the available evidence, the clinical significance of this variant remains unclear.

Sema4
Classification: Uncertain significance for Hereditary cancer-predisposing syndrome. Last evaluated: 2021-11-25. Review status: criteria provided, single submitter. Criteria: Sema4 Curation Guidelines. Collection method: curation. Allele origin: germline.
Comment: The WT1 c.296C>G (p.A99G) variant has not been reported in the literature to our knowledge. It was not observed in the large and broad cohorts of the Genome Aggregation Database (PMID: 32461654). The variant has been reported in ClinVar (Variation ID: 955820). Functional studies have not been performed, and in silico predictions of the variant's effect on protein function are inconclusive. The evidence is insufficient to meet ACMG/AMP criteria for classifying the variant as benign or pathogenic. Thus, the clinical significance of this variant is currently uncertain.

Labcorp Genetics (formerly Invitae), Labcorp
Classification: Uncertain significance for Wilms tumor 1; Drash syndrome; 11p partial monosomy syndrome; Frasier syndrome. Last evaluated: 2019-10-31. Review status: criteria provided, single submitter. Criteria: Invitae Variant Classification Sherloc (09022015). Collection method: clinical testing. Allele origin: germline.
Comment: The frequency data for this variant in the population databases is considered unreliable, as metrics indicate insufficient coverage at this position in the ExAC database. This sequence change replaces alanine with glycine at codon 99 of the WT1 protein (p.Ala99Gly). The alanine residue is highly conserved and there is a small physicochemical difference between alanine and glycine. In summary, the available evidence is currently insufficient to determine the role of this variant in disease. Therefore, it has been classified as a Variant of Uncertain Significance. Algorithms developed to predict the effect of missense changes on protein structure and function are either unavailable or do not agree on the potential impact of this missense change (SIFT: "Deleterious"; PolyPhen-2: "Benign"; Align-GVGD: "Class C0"). This variant has not been reported in the literature in individuals with WT1-related conditions.

NM_024426.6(WT1):c.311C>G (p.Ala104Gly)

Genes: WT1 (WT1 transcription factor; minus strand), LOC107982234 (WT1/WT1-AS bi-directional promoter region; plus strand). Cytogenetic location: 11p13.
Variant type: single nucleotide variant.
Coding change: c.311C>G on transcript NM_024426.6 (MANE Select); coding-DNA position 311, C replaced by G.
Protein change: p.Ala104Gly; replaces alanine 104 with glycine.
Molecular consequence: missense variant. On other transcripts: non-coding transcript variant (1).
Genome position (GRCh38, 1-based): chr11:32,435,050, G>C on the plus strand (C>G on the coding strand, the complement: WT1 is on the minus strand). VCF-style: chr11-32435050-G-C. GRCh37 (hg19) VCF-style: chr11-32456596-G-C.
Other names: c.311C>G, p.Ala104Gly (NM_000378.6, NM_024424.5); short protein forms A104G.
Identifiers: ClinVar variation 955820 (VCV000955820.12), dbSNP rs1044394214, ClinGen allele CA219511188.